The following is an entry in ClinVar:

NM_002972.4(SBF1):c.5524G>A (p.Ala1842Thr)

Gene: SBF1 (SET binding factor 1; minus strand). Cytogenetic location: 22q13.33.
Variant type: single nucleotide variant.
Coding change: c.5524G>A on transcript NM_002972.4 (MANE Select); coding-DNA position 5524, G replaced by A.
Protein change: p.Ala1842Thr; replaces alanine 1842 with threonine.
Molecular consequence: missense variant.
Genome position (GRCh38, 1-based): chr22:50,447,381, C>T on the plus strand (G>A on the coding strand, the complement: SBF1 is on the minus strand). VCF-style: chr22-50447381-C-T. GRCh37 (hg19) VCF-style: chr22-50885810-C-T.
Other names: c.5449G>A, p.Ala1817Thr (NM_001365819.1); short protein forms A1817T, A1842T.
Identifiers: ClinVar variation 1518420 (VCV001518420.8), dbSNP rs2148549362, ClinGen allele CA412184240.

ClinVar aggregate classification (germline): Uncertain significance (1 of 4 stars; one submission).

Submission:

Labcorp Genetics (formerly Invitae), Labcorp
Classification: Uncertain significance. Last evaluated: 2021-04-04. Review status: criteria provided, single submitter. Criteria: Invitae Variant Classification Sherloc (09022015). Collection method: clinical testing. Allele origin: germline.
Comment: In summary, the available evidence is currently insufficient to determine the role of this variant in disease. Therefore, it has been classified as a Variant of Uncertain Significance. Algorithms developed to predict the effect of missense changes on protein structure and function (SIFT, PolyPhen-2, Align-GVGD) all suggest that this variant is likely to be tolerated, but these predictions have not been confirmed by published functional studies and their clinical significance is uncertain. This variant has not been reported in the literature in individuals with SBF1-related conditions. This variant is not present in population databases (ExAC no frequency). This sequence change replaces alanine with threonine at codon 1842 of the SBF1 protein (p.Ala1842Thr). The alanine residue is weakly conserved and there is a small physicochemical difference between alanine and threonine.